The following is an entry in ClinVar:

ClinVar aggregate classification (germline): Uncertain significance (1 of 4 stars; one submission).

Conditions:
Hereditary cancer-predisposing syndrome. Also called: Tumor predisposition; Neoplastic Syndromes, Hereditary; Hereditary Cancer Syndrome; Hereditary neoplastic syndrome. Identifiers: Orphanet 140162, MedGen C0027672, MeSH D009386, MONDO:0015356.

Submission:

Ambry Genetics
Classification: Uncertain significance for Hereditary cancer-predisposing syndrome. Last evaluated: 2025-03-07. Review status: criteria provided, single submitter. Criteria: Ambry Variant Classification Scheme 2023. Collection method: clinical testing. Allele origin: germline.
Comment: The p.L2452S variant (also known as c.7355T>C), located in coding exon 15 of the APC gene, results from a T to C substitution at nucleotide position 7355. The leucine at codon 2452 is replaced by serine, an amino acid with dissimilar properties. This amino acid position is conserved. In addition, in silico predictors for this gene do not accurately predict pathogenicity. Based on the available evidence, the clinical significance of this variant remains unclear.

NM_000038.6(APC):c.7355T>C (p.Leu2452Ser)

Gene: APC (APC regulator of Wnt signaling pathway; plus strand). Cytogenetic location: 5q22.2.
Variant type: single nucleotide variant.
Coding change: c.7355T>C on transcript NM_000038.6 (MANE Select); coding-DNA position 7355, T replaced by C.
Protein change: p.Leu2452Ser; replaces leucine 2452 with serine.
Molecular consequence: missense variant. On other transcripts: non-coding transcript variant (2).
Genome position (GRCh38, 1-based): chr5:112,842,949, T>C. VCF-style: chr5-112842949-T-C. GRCh37 (hg19) VCF-style: chr5-112178646-T-C.
Other names: c.7355T>C, p.Leu2452Ser (NM_001127510.3, NM_001354895.2, NM_001407450.1); c.7301T>C, p.Leu2434Ser (NM_001127511.3); c.7409T>C, p.Leu2470Ser (NM_001354896.2, NM_001407447.1, NM_001407448.1 and 1 more transcripts); c.7385T>C, p.Leu2462Ser (NM_001354897.2); c.7280T>C, p.Leu2427Ser (NM_001354898.2); c.7271T>C, p.Leu2424Ser (NM_001354899.2); c.7232T>C, p.Leu2411Ser (NM_001354900.2); c.7178T>C, p.Leu2393Ser (NM_001354901.2, NM_001407453.1); and 11 more; short protein forms L2068S, L2326S, L2361S, L2427S, L2442S, L2462S, L2393S, L2169S.
Identifiers: ClinVar variation 3882795 (VCV003882795.1).
Genomic context (GRCh38, chr5:112,842,949, plus strand): 5'-CAGAAAGACCTGTATTAGTACGCCAGTCAACTTTCATCAAAGAAGCTCCAAGCCCAACCT[T>C]AAGAAGAAAATTGGAGGAATCTGCTTCATTTGAATCTCTTTCTCCATCATCTAGACCAGC-3'
Protein context (NP_000029.2, residues 2442-2462): TFIKEAPSPT[Leu2452Ser]RRKLEESASF